The following is an entry in ClinVar:

ClinVar aggregate classification (germline): Pathogenic (1 of 4 stars; one submission).

Conditions:
ALG1-congenital disorder of glycosylation. Also called: CONGENITAL DISORDER OF GLYCOSYLATION, TYPE Ik; ALG1-CDG; CDG Ik. Identifiers: Orphanet 79327, MedGen C2931005, MONDO:0012052, OMIM 608540.

Submission:

Labcorp Genetics (formerly Invitae), Labcorp
Classification: Pathogenic for ALG1-congenital disorder of glycosylation. Last evaluated: 2023-10-10. Review status: criteria provided, single submitter. Criteria: Invitae Variant Classification Sherloc (09022015). Collection method: clinical testing. Allele origin: germline.
Comment: This sequence change creates a premature translational stop signal (p.Tyr215*) in the ALG1 gene. It is expected to result in an absent or disrupted protein product. Loss-of-function variants in ALG1 are known to be pathogenic (PMID: 20679665, 23806237). This variant is not present in population databases (gnomAD no frequency). This variant has not been reported in the literature in individuals affected with ALG1-related conditions. For these reasons, this variant has been classified as Pathogenic.

Literature cited by the submitters: PubMed 20679665; PubMed 23806237.

NM_019109.5(ALG1):c.645C>G (p.Tyr215Ter)

Gene: ALG1 (ALG1 chitobiosyldiphosphodolichol beta-mannosyltransferase; plus strand). Cytogenetic location: 16p13.3.
Variant type: single nucleotide variant.
Coding change: c.645C>G on transcript NM_019109.5 (MANE Select); coding-DNA position 645, C replaced by G.
Protein change: p.Tyr215Ter; replaces tyrosine 215 with a stop codon.
Molecular consequence: nonsense.
Genome position (GRCh38, 1-based): chr16:5,077,922, C>G. VCF-style: chr16-5077922-C-G. GRCh37 (hg19) VCF-style: chr16-5127923-C-G.
Other names: c.312C>G, p.Tyr104Ter (NM_001330504.2); short protein forms Y215*, Y104*.
Identifiers: ClinVar variation 2697122 (VCV002697122.3), dbSNP rs753904901, ClinGen allele CA394681458.